The following is an entry in ClinVar:

NM_153240.5(NPHP3):c.2610G>A (p.Pro870=)

Genes: NPHP3 (nephrocystin 3; minus strand), NPHP3-ACAD11 (NPHP3-ACAD11 readthrough (NMD candidate); minus strand). Cytogenetic location: 3q22.1.
Variant type: single nucleotide variant.
Coding change: c.2610G>A on transcript NM_153240.5 (MANE Select); coding-DNA position 2610, G replaced by A.
Protein change: p.Pro870=; no amino-acid change (proline 870 retained).
Molecular consequence: synonymous variant. On other transcripts: non-coding transcript variant (1).
Genome position (GRCh38, 1-based): chr3:132,690,611, C>T on the plus strand (G>A on the coding strand, the complement: NPHP3 is on the minus strand). VCF-style: chr3-132690611-C-T. GRCh37 (hg19) VCF-style: chr3-132409455-C-T.
Other names: p.Pro870=.
Identifiers: ClinVar variation 96513 (VCV000096513.23), dbSNP rs16839515, ClinGen allele CA149572.
Genomic context (GRCh38, chr3:132,690,611, plus strand): 5'-AAAGAGATTAAGAAGGCAATCATGCAGCTTCTGTTTACTTCCCTGCTGCTGAAAAAGCCA[C>T]GGGAGTTCATCTGCACTTCTCCAAGTCACTCTGTCCTGACTATCAAAAGAGAGGAGACAA-3'
Protein context (NP_694972.3, residues 860-880): RVTWRSADEL[Pro870=]WLFQQQGSKQ

ClinVar aggregate classification (germline): Benign. Review status: criteria provided, multiple submitters, no conflicts (2 of 4 stars). 10 submissions from 8 submitters: Benign (10). Last evaluated 2026-02-04.

Conditions:
Nephronophthisis. Also called: Juvenile Nephronophthisis. Identifiers: Orphanet 655, MedGen C0687120, MONDO:0019005, HP:0000090.
Renal-hepatic-pancreatic dysplasia 1 (RHPD1). Identifiers: MedGen C3715199, MONDO:0008833, OMIM 208540.
NPHP3-related Meckel-like syndrome. Also called: GOLDSTON SYNDROME; Meckel syndrome type 7. Identifiers: Orphanet 3032, MedGen C2673885, MONDO:0009966, OMIM 267010.
Nephronophthisis 3 (NPHP3). Also called: Adolescent nephronophthisis. Identifiers: Orphanet 655, MedGen C1858392, MONDO:0011456, OMIM 604387.

Allele frequency attached by ClinVar (database versions not stated): gnomAD exomes 0.02821; ExAC 0.03039; gnomAD 0.04316 and 0.04323; TOPMed 0.04639; ESP Exome Variant Server 0.04706; 1000 Genomes Project 30x 0.06309; 1000 Genomes Project 0.06310.
gnomAD v4.1: 36,627 of 1,613,574 alleles (2.3%); highest among the groups gnomAD compares: African/African-American, 10%; 835 homozygotes.

Submissions (10):

Labcorp Genetics (formerly Invitae), Labcorp
Classification: Benign for Nephronophthisis. Last evaluated: 2026-02-04. Review status: criteria provided, single submitter. Criteria: Invitae Variant Classification Sherloc (09022015). Collection method: clinical testing. Allele origin: germline.

Blueprint Genetics
Classification: Benign. Last evaluated: 2024-11-26. Review status: criteria provided, single submitter. Criteria: ACMG Guidelines, 2015. Collection method: clinical testing. Allele origin: germline.

Mayo Clinic Laboratories, Mayo Clinic
Classification: Benign. Last evaluated: 2022-03-09. Review status: criteria provided, single submitter. Criteria: ACMG Guidelines, 2015. Collection method: clinical testing. Allele origin: germline. Observed: 52 variant alleles.

Illumina Laboratory Services, Illumina
Classification: Benign for NPHP3-related Meckel-like syndrome. Last evaluated: 2018-01-13. Review status: criteria provided, single submitter. Criteria: ICSL Variant Classification Criteria 13 December 2019. Collection method: clinical testing. Allele origin: germline.
Comment: This variant was observed in the ICSL laboratory as part of a predisposition screen in an ostensibly healthy population. It had not been previously curated by ICSL or reported in the Human Gene Mutation Database (HGMD: prior to June 1st, 2018), and was therefore a candidate for classification through an automated scoring system. Utilizing variant allele frequency, disease prevalence and penetrance estimates, and inheritance mode, an automated score was calculated to assess if this variant is too frequent to cause the disease. Based on the score and internal cut-off values, a variant classified as benign is not then subjected to further curation. The score for this variant resulted in a classification of benign for this disease.

Illumina Laboratory Services, Illumina
Classification: Benign for Renal-hepatic-pancreatic dysplasia 1. Last evaluated: 2018-01-13. Review status: criteria provided, single submitter. Criteria: ICSL Variant Classification Criteria 13 December 2019. Collection method: clinical testing. Allele origin: germline.
Comment: the same text as in the submission from Illumina Laboratory Services, Illumina above.

Illumina Laboratory Services, Illumina
Classification: Benign for Nephronophthisis 3. Last evaluated: 2018-01-13. Review status: criteria provided, single submitter. Criteria: ICSL Variant Classification Criteria 13 December 2019. Collection method: clinical testing. Allele origin: germline.
Comment: the same text as in the submission from Illumina Laboratory Services, Illumina above.

GeneDx
Classification: Benign. Last evaluated: 2016-03-15. Review status: criteria provided, single submitter. Criteria: GeneDx Variant Classification (06012015). Collection method: clinical testing. Allele origin: germline. Affected: yes.
Comment: This variant is considered likely benign or benign based on one or more of the following criteria: it is a conservative change, it occurs at a poorly conserved position in the protein, it is predicted to be benign by multiple in silico algorithms, and/or has population frequency not consistent with disease.

Eurofins Ntd Llc (ga)
Classification: Benign. Last evaluated: 2012-10-08. Review status: criteria provided, single submitter. Criteria: EGL Classification Definitions 2015. Collection method: clinical testing. Allele origin: germline. Observed: 7 variant alleles, 6 heterozygotes, 1 homozygote.

Breakthrough Genomics
Classification: Benign. Review status: criteria provided, single submitter. Criteria: ACMG Guidelines, 2015. Collection method: not provided. Allele origin: germline. Inheritance: Autosomal recessive inheritance. Affected: yes.

PreventionGenetics, part of Exact Sciences
Classification: Benign. Review status: criteria provided, single submitter. Criteria: ACMG Guidelines, 2015. Collection method: clinical testing. Allele origin: germline.